The following is an entry in ClinVar:

ClinVar aggregate classification (germline): Uncertain significance (1 of 4 stars; one submission).

Conditions:
Hyperaldosteronism, familial, type IV (HALD4). Also called: FH IV; ALDOSTERONISM, PRIMARY, AND HYPERTENSION. Identifiers: Orphanet 642671, MedGen C4310756, MONDO:0014875, OMIM 617027.
Idiopathic generalized epilepsy. Also called: Generalised epilepsy; EIG. Identifiers: MedGen C0270850, MONDO:0005579, OMIM 600669.

gnomAD v4.1: 2 of 1,613,070 alleles (0.00012%); highest among the groups gnomAD compares: South Asian, 0.0011%; no homozygotes.

Submission:

Labcorp Genetics (formerly Invitae), Labcorp
Classification: Uncertain significance for Idiopathic generalized epilepsy; Hyperaldosteronism, familial, type IV. Last evaluated: 2021-12-25. Review status: criteria provided, single submitter. Criteria: Invitae Variant Classification Sherloc (09022015). Collection method: clinical testing. Allele origin: germline.
Comment: This sequence change replaces isoleucine, which is neutral and non-polar, with valine, which is neutral and non-polar, at codon 1430 of the CACNA1H protein (p.Ile1430Val). This variant is not present in population databases (gnomAD no frequency). This variant has not been reported in the literature in individuals affected with CACNA1H-related conditions. Advanced modeling of protein sequence and biophysical properties (such as structural, functional, and spatial information, amino acid conservation, physicochemical variation, residue mobility, and thermodynamic stability) performed at Invitae indicates that this missense variant is expected to disrupt CACNA1H protein function. In summary, the available evidence is currently insufficient to determine the role of this variant in disease. Therefore, it has been classified as a Variant of Uncertain Significance.

NM_021098.3(CACNA1H):c.4288A>G (p.Ile1430Val)

Gene: CACNA1H (calcium voltage-gated channel subunit alpha1 H; plus strand). Cytogenetic location: 16p13.3.
Variant type: single nucleotide variant.
Coding change: c.4288A>G on transcript NM_021098.3 (MANE Select); coding-DNA position 4288, A replaced by G.
Protein change: p.Ile1430Val; replaces isoleucine 1430 with valine.
Molecular consequence: missense variant.
Genome position (GRCh38, 1-based): chr16:1,211,232, A>G. VCF-style: chr16-1211232-A-G. GRCh37 (hg19) VCF-style: chr16-1261232-A-G.
Other names: c.4288A>G, p.Ile1430Val (NM_001005407.2); short protein forms I1430V.
Identifiers: ClinVar variation 2060083 (VCV002060083.4), dbSNP rs776156272, ClinGen allele CA394178376.
Genomic context (GRCh38, chr16:1,211,232, plus strand): 5'-ATCAGCCGGGCCCCGGGCCTCAAGCTGGTGGTGGAGACGCTGATATCATCACTCAGGCCC[A>G]TTGGGAACATCGTCCTCATCTGCTGCGCCTTCTTCATCATTTTTGGCATTTTGGGTGTGC-3'
Protein context (NP_066921.2, residues 1420-1440): VETLISSLRP[Ile1430Val]GNIVLICCAF